The following is an entry in ClinVar:

NM_003190.5(TAPBP):c.166C>T (p.Pro56Ser)

Gene: TAPBP (TAP binding protein; minus strand). Cytogenetic location: 6p21.32.
Variant type: single nucleotide variant.
Coding change: c.166C>T on transcript NM_003190.5 (MANE Select); coding-DNA position 166, C replaced by T.
Protein change: p.Pro56Ser; replaces proline 56 with serine.
Molecular consequence: missense variant.
Genome position (GRCh38, 1-based): chr6:33,313,736, G>A on the plus strand (C>T on the coding strand, the complement: TAPBP is on the minus strand). VCF-style: chr6-33313736-G-A. GRCh37 (hg19) VCF-style: chr6-33281513-G-A.
Other names: c.166C>T, p.Pro56Ser (NM_172208.3, NM_172209.3); short protein forms P56S.
Identifiers: ClinVar variation 1443402 (VCV001443402.6), dbSNP rs1035320527, ClinGen allele CA363622301.

ClinVar aggregate classification (germline): Uncertain significance (1 of 4 stars; one submission).

Conditions:
MHC class I deficiency. Identifiers: Orphanet 34592, MedGen C6024714, MONDO:0011476.

gnomAD v4.1: 2 of 1,613,600 alleles (0.00012%); highest among the groups gnomAD compares: African/African-American, 0.0027%; no homozygotes.

Submission:

Labcorp Genetics (formerly Invitae), Labcorp
Classification: Uncertain significance for MHC class I deficiency 1. Last evaluated: 2021-09-04. Review status: criteria provided, single submitter. Criteria: Invitae Variant Classification Sherloc (09022015). Collection method: clinical testing. Allele origin: germline.
Comment: This sequence change replaces proline with serine at codon 56 of the TAPBP protein (p.Pro56Ser). The proline residue is highly conserved and there is a moderate physicochemical difference between proline and serine. This variant is not present in population databases (ExAC no frequency). This variant has not been reported in the literature in individuals affected with TAPBP-related conditions. Algorithms developed to predict the effect of missense changes on protein structure and function are either unavailable or do not agree on the potential impact of this missense change (SIFT: "Tolerated"; PolyPhen-2: "Probably Damaging"; Align-GVGD: "Class C0"). In summary, the available evidence is currently insufficient to determine the role of this variant in disease. Therefore, it has been classified as a Variant of Uncertain Significance.